The following is an entry in ClinVar:

NM_000059.4(BRCA2):c.9090A>C (p.Thr3030=)

Gene: BRCA2 (BRCA2 DNA repair associated; plus strand). Cytogenetic location: 13q13.1.
Variant type: single nucleotide variant.
Coding change: c.9090A>C on transcript NM_000059.4 (MANE Select); coding-DNA position 9090, A replaced by C.
Protein change: p.Thr3030=; no amino-acid change (threonine 3030 retained).
Molecular consequence: synonymous variant.
Genome position (GRCh38, 1-based): chr13:32,379,886, A>C. VCF-style: chr13-32379886-A-C. GRCh37 (hg19) VCF-style: chr13-32954023-A-C.
Identifiers: ClinVar variation 233998 (VCV000233998.16), dbSNP rs876660785, ClinGen allele CA10579808.

ClinVar aggregate classification (germline): Likely benign. Review status: reviewed by expert panel (3 of 4 stars). 3 submissions from 3 submitters: Likely benign (1). 2 of the submissions do not count toward it. Last evaluated 2017-06-29.

Conditions:
Hereditary cancer-predisposing syndrome. Also called: Tumor predisposition; Hereditary Cancer Syndrome; Hereditary neoplastic syndrome; Neoplastic Syndromes, Hereditary. Identifiers: Orphanet 140162, MedGen C0027672, MeSH D009386, MONDO:0015356.
Hereditary breast ovarian cancer syndrome. Also called: Hereditary breast and ovarian cancer; Breast and ovarian cancer; BRCA1- and BRCA2-Associated Hereditary Breast and Ovarian Cancer; Hereditary breast and ovarian cancer syndrome; Hereditary breast and ovarian cancer syndrome (HBOC); Hereditary breast and/or ovarian cancer syndrome. Identifiers: Orphanet 145, MedGen C0677776, MeSH D061325, MONDO:0003582. Disease mechanism: loss of function.
Breast-ovarian cancer, familial, susceptibility to, 2 (BROVCA2). Also called: BRCA2 Hereditary Breast and Ovarian Cancer. Identifiers: Orphanet 145, MedGen C2675520, MONDO:0012933, OMIM 612555. Disease mechanism: loss of function.

Allele frequency attached by ClinVar (database versions not stated): gnomAD exomes below 0.00001.
gnomAD v4.1: 1 of 1,612,536 alleles (0.000062%); highest among the groups gnomAD compares: Non-Finnish European, 0.000085%; no homozygotes.

Submissions (3):

Evidence-based Network for the Interpretation of Germline Mutant Alleles (ENIGMA)
Classification: Likely benign for Breast-ovarian cancer, familial, susceptibility to, 2. Last evaluated: 2017-06-29. Review status: reviewed by expert panel. Criteria: ENIGMA BRCA1/2 Classification Criteria (2017-06-29). Collection method: curation. Allele origin: germline.
Comment: Synonymous substitution variant, with low bioinformatic likelihood to result in a splicing aberration (Splicing prior probability 0.02).

Labcorp Genetics (formerly Invitae), Labcorp
Classification: Likely benign for Hereditary breast ovarian cancer syndrome. Last evaluated: 2023-06-27. Review status: criteria provided, single submitter. Criteria: Invitae Variant Classification Sherloc (09022015). Collection method: clinical testing. Allele origin: germline. Not counted in ClinVar's aggregate classification.

Ambry Genetics
Classification: Likely benign for Hereditary cancer-predisposing syndrome. Last evaluated: 2015-09-15. Review status: criteria provided, single submitter. Criteria: Ambry Variant Classification Scheme 2023. Collection method: clinical testing. Allele origin: germline. Not counted in ClinVar's aggregate classification.